The following is an entry in ClinVar:

ClinVar aggregate classification (germline): Pathogenic (1 of 4 stars; one submission).

Conditions:
ERCC2-related disorder. Also called: ERCC2-related conditions; ERCC2-related condition; ERCC2-related disorders. Identifiers: MedGen CN239291.

Submission:

Myriad Genetics, Inc.
Classification: Pathogenic for ERCC2-related disorder. Last evaluated: 2025-10-04. Review status: criteria provided, single submitter. Criteria: Myriad Autosomal Dominant, Autosomal Recessive and X-Linked Classification Criteria (2023). Collection method: clinical testing. Allele origin: unknown.
Comment: NM_000400.3(ERCC2):c.292G>T(E98*) is expected to be pathogenic in the context of ERCC2-related disorders. This variant is predicted to lead to an abnormal or absent protein product due to the creation of a premature termination codon in ERCC2, a gene where loss-of-function variants are known to be pathogenic. Please note: this variant was assessed in the context of healthy population screening.

NM_000400.4(ERCC2):c.292G>T (p.Glu98Ter)

Gene: ERCC2 (ERCC excision repair 2, TFIIH core complex helicase subunit; minus strand). Cytogenetic location: 19q13.32.
Variant type: single nucleotide variant.
Coding change: c.292G>T on transcript NM_000400.4 (MANE Select); coding-DNA position 292, G replaced by T.
Protein change: p.Glu98Ter; replaces glutamic acid 98 with a stop codon.
Molecular consequence: nonsense. On other transcripts: non-coding transcript variant (3).
Genome position (GRCh38, 1-based): chr19:45,368,698, C>A on the plus strand (G>T on the coding strand, the complement: ERCC2 is on the minus strand). VCF-style: chr19-45368698-C-A. GRCh37 (hg19) VCF-style: chr19-45871956-C-A.
Other names: c.220G>T, p.Glu74Ter (NM_001130867.2, NM_001440355.1); c.214G>T, p.Glu72Ter (NM_001440356.1); c.169G>T, p.Glu57Ter (NM_001440357.1); short protein forms E57*, E72*, E74*, E98*.
Identifiers: ClinVar variation 5015049 (VCV005015049.1).